The following is an entry in ClinVar:

ClinVar aggregate classification (germline): Uncertain significance (1 of 4 stars; one submission).

Conditions:
Hereditary cancer-predisposing syndrome. Also called: Neoplastic Syndromes, Hereditary; Tumor predisposition; Hereditary Cancer Syndrome; Hereditary neoplastic syndrome. Identifiers: Orphanet 140162, MedGen C0027672, MeSH D009386, MONDO:0015356.

Submission:

Ambry Genetics
Classification: Uncertain significance for Hereditary cancer-predisposing syndrome. Last evaluated: 2024-10-11. Review status: criteria provided, single submitter. Criteria: Ambry Variant Classification Scheme 2023. Collection method: clinical testing. Allele origin: germline.
Comment: The p.S162Y variant (also known as c.485C>A), located in coding exon 4 of the RAD50 gene, results from a C to A substitution at nucleotide position 485. The serine at codon 162 is replaced by tyrosine, an amino acid with dissimilar properties. This amino acid position is conserved. In addition, this alteration is predicted to be deleterious by in silico analysis. Based on the available evidence, the clinical significance of this variant remains unclear.

NM_005732.4(RAD50):c.485C>A (p.Ser162Tyr)

Gene: RAD50 (RAD50 double strand break repair protein; plus strand). Cytogenetic location: 5q31.1.
Variant type: single nucleotide variant.
Coding change: c.485C>A on transcript NM_005732.4 (MANE Select); coding-DNA position 485, C replaced by A.
Protein change: p.Ser162Tyr; replaces serine 162 with tyrosine.
Molecular consequence: missense variant.
Genome position (GRCh38, 1-based): chr5:132,579,436, C>A. VCF-style: chr5-132579436-C-A. GRCh37 (hg19) VCF-style: chr5-131915128-C-A.
Other names: short protein forms S162Y.
Identifiers: ClinVar variation 3429506 (VCV003429506.1).